The following is an entry in ClinVar:

NM_030632.3(ASXL3):c.1006A>T (p.Ile336Leu)

Gene: ASXL3 (ASXL transcriptional regulator 3; plus strand). Cytogenetic location: 18q12.1.
Variant type: single nucleotide variant.
Coding change: c.1006A>T on transcript NM_030632.3 (MANE Select); coding-DNA position 1006, A replaced by T.
Protein change: p.Ile336Leu; replaces isoleucine 336 with leucine.
Molecular consequence: missense variant.
Genome position (GRCh38, 1-based): chr18:33,734,339, A>T. VCF-style: chr18-33734339-A-T. GRCh37 (hg19) VCF-style: chr18-31314303-A-T.
Other names: short protein forms I336L.
Identifiers: ClinVar variation 5030688 (VCV005030688.1).

ClinVar aggregate classification (germline): Uncertain significance (1 of 4 stars; one submission).

Conditions:
Inborn genetic diseases. Identifiers: MedGen C0950123, MeSH D030342.

gnomAD v4.1: 2 of 1,607,788 alleles (0.00012%); highest among the groups gnomAD compares: Admixed American, 0.0034%; no homozygotes.

Submission:

Ambry Genetics
Classification: Uncertain significance for Inborn genetic diseases. Last evaluated: 2026-07-03. Review status: criteria provided, single submitter. Criteria: Ambry Variant Classification Scheme 2023. Collection method: clinical testing. Allele origin: germline.
Comment: The c.1006A>T (p.I336L) alteration is located in exon 10 (coding exon 10) of the ASXL3 gene. This alteration results from a A to T substitution at nucleotide position 1006, causing the isoleucine (I) at amino acid position 336 to be replaced by a leucine (L). Based on data from gnomAD, the T allele has an overall frequency of <0.001% (1/244130) total alleles studied. The highest observed frequency was 0.003% (1/33100) of Latino alleles. Based on insufficient or conflicting evidence, the clinical significance of this alteration remains unclear.